The following is an entry in ClinVar:

NM_203447.4(DOCK8):c.973G>A (p.Ala325Thr)

Gene: DOCK8 (dedicator of cytokinesis 8; plus strand). Cytogenetic location: 9p24.3.
Variant type: single nucleotide variant.
Coding change: c.973G>A on transcript NM_203447.4 (MANE Select); coding-DNA position 973, G replaced by A.
Protein change: p.Ala325Thr; replaces alanine 325 with threonine.
Molecular consequence: missense variant.
Genome position (GRCh38, 1-based): chr9:328,100, G>A. VCF-style: chr9-328100-G-A. GRCh37 (hg19) VCF-style: chr9-328100-G-A.
Other names: c.769G>A, p.Ala257Thr (NM_001190458.2, NM_001193536.2); short protein forms A257T, A325T.
Identifiers: ClinVar variation 1355030 (VCV001355030.5), dbSNP rs534080306, ClinGen allele CA4957551.

ClinVar aggregate classification (germline): Uncertain significance (1 of 4 stars; one submission).

Conditions:
Combined immunodeficiency due to DOCK8 deficiency (HIES2). Also called: HYPER-IgE RECURRENT INFECTION SYNDROME 2, AUTOSOMAL RECESSIVE; HYPER-IgE SYNDROME 2, AUTOSOMAL RECESSIVE, WITH RECURRENT INFECTIONS; HIES autosomal recessive; DOCK8 Deficiency; Hyper-IgE recurrent infection syndrome, autosomal recessive. Identifiers: Orphanet 217390, MedGen C4722305, MONDO:0009478, OMIM 243700.

Allele frequency attached by ClinVar (database versions not stated): gnomAD exomes 0.00004 and 0.00006; ExAC 0.00006; gnomAD 0.00012 and 0.00013; 1000 Genomes Project 30x 0.00031; 1000 Genomes Project 0.00040.
gnomAD v4.1: 73 of 1,614,138 alleles (0.0045%); highest among the groups gnomAD compares: African/African-American, 0.04%; no homozygotes.

Submission:

Labcorp Genetics (formerly Invitae), Labcorp
Classification: Uncertain significance for Combined immunodeficiency due to DOCK8 deficiency. Last evaluated: 2022-06-24. Review status: criteria provided, single submitter. Criteria: Invitae Variant Classification Sherloc (09022015). Collection method: clinical testing. Allele origin: germline.
Comment: This sequence change replaces alanine, which is neutral and non-polar, with threonine, which is neutral and polar, at codon 325 of the DOCK8 protein (p.Ala325Thr). This variant is present in population databases (rs534080306, gnomAD 0.04%). This variant has not been reported in the literature in individuals affected with DOCK8-related conditions. Algorithms developed to predict the effect of missense changes on protein structure and function output the following: SIFT: "Tolerated"; PolyPhen-2: "Benign"; Align-GVGD: "Class C0". The threonine amino acid residue is found in multiple mammalian species, which suggests that this missense change does not adversely affect protein function. In summary, the available evidence is currently insufficient to determine the role of this variant in disease. Therefore, it has been classified as a Variant of Uncertain Significance.